The following is an entry in ClinVar:

ClinVar aggregate classification (germline): Uncertain significance. Review status: criteria provided, multiple submitters, no conflicts (2 of 4 stars). 2 submissions from 2 submitters: Uncertain significance (2). Last evaluated 2022-11-12.

Allele frequency attached by ClinVar (database versions not stated): TOPMed 0.00001.

Submissions (2):

Labcorp Genetics (formerly Invitae), Labcorp
Classification: Uncertain significance. Last evaluated: 2022-11-12. Review status: criteria provided, single submitter. Criteria: Invitae Variant Classification Sherloc (09022015). Collection method: clinical testing. Allele origin: germline.
Comment: This sequence change replaces lysine, which is basic and polar, with methionine, which is neutral and non-polar, at codon 131 of the APOA1 protein (p.Lys131Met). This variant is present in population databases (rs4882, gnomAD 0.002%). This missense change has been observed in individual(s) with clinical features of APOA1-related disorders (PMID: 26255038). Advanced modeling of protein sequence and biophysical properties (such as structural, functional, and spatial information, amino acid conservation, physicochemical variation, residue mobility, and thermodynamic stability) has been performed at Invitae for this missense variant, however the output from this modeling did not meet the statistical confidence thresholds required to predict the impact of this variant on APOA1 protein function. In summary, the available evidence is currently insufficient to determine the role of this variant in disease. Therefore, it has been classified as a Variant of Uncertain Significance.

Blueprint Genetics
Classification: Uncertain significance. Last evaluated: 2021-04-26. Review status: criteria provided, single submitter. Criteria: ACMG Guidelines, 2015. Collection method: clinical testing. Allele origin: germline.

Literature cited by the submitters: PubMed 26255038 (cited by Labcorp Genetics (formerly Invitae), Labcorp).

NM_000039.3(APOA1):c.392A>T (p.Lys131Met)

Genes: APOA1 (apolipoprotein A1; minus strand), APOA1-AS (APOA1 antisense RNA; plus strand). Cytogenetic location: 11q23.3.
Variant type: single nucleotide variant.
Coding change: c.392A>T on transcript NM_000039.3 (MANE Select); coding-DNA position 392, A replaced by T.
Protein change: p.Lys131Met; replaces lysine 131 with methionine.
Molecular consequence: missense variant. On other transcripts: non-coding transcript variant (1).
Genome position (GRCh38, 1-based): chr11:116,836,220, T>A on the plus strand (A>T on the coding strand, the complement: APOA1 is on the minus strand). VCF-style: chr11-116836220-T-A. GRCh37 (hg19) VCF-style: chr11-116706936-T-A.
Other names: c.392A>T, p.Lys131Met (NM_001318017.2, NM_001318018.2, NM_001425090.1 and 1 more transcripts); c.65A>T, p.Lys22Met (NM_001318021.2, NM_001425091.1, NM_001425092.1); short protein forms K22M, K131M.
Identifiers: ClinVar variation 2735761 (VCV002735761.4), dbSNP rs4882, ClinGen allele CA229324382.